The following is an entry in ClinVar:

ClinVar aggregate classification (germline): Uncertain significance (1 of 4 stars; one submission).

Conditions:
Immunodeficiency 77. Identifiers: MedGen C5543173, MONDO:0030973, OMIM 619223.

Submission:

MVZ Medizinische Genetik Mainz
Classification: Uncertain significance for Immunodeficiency 77. Last evaluated: 2025-05-07. Review status: criteria provided, single submitter. Criteria: UK Practice Guidelines For Variant Classification V4 01 2020. Collection method: clinical testing. Allele origin: germline. Inheritance: Autosomal dominant inheritance. Affected: yes. Observed: 1 variant allele.
Comment: ACMG Criteria: PVS1_MOD,PM2_SUP

NM_001039396.2(MPEG1):c.679C>T (p.Gln227Ter)

Gene: MPEG1 (macrophage expressed 1; minus strand). Cytogenetic location: 11q12.1.
Variant type: single nucleotide variant.
Coding change: c.679C>T on transcript NM_001039396.2 (MANE Select); coding-DNA position 679, C replaced by T.
Protein change: p.Gln227Ter; replaces glutamine 227 with a stop codon.
Molecular consequence: nonsense.
Genome position (GRCh38, 1-based): chr11:59,212,187, G>A on the plus strand (C>T on the coding strand, the complement: MPEG1 is on the minus strand). VCF-style: chr11-59212187-G-A. GRCh37 (hg19) VCF-style: chr11-58979660-G-A.
Other names: short protein forms Q227*.
Identifiers: ClinVar variation 3900715 (VCV003900715.1).